The following is an entry in ClinVar:

ClinVar aggregate classification (germline): Pathogenic (1 of 4 stars; one submission).

Conditions:
Finnish congenital nephrotic syndrome (NPHS1). Also called: NEPHROTIC SYNDROME, TYPE 1. Identifiers: Orphanet 839, MedGen C0403399, MONDO:0009732, OMIM 256300.

Submission:

Myriad Genetics, Inc.
Classification: Pathogenic for Finnish congenital nephrotic syndrome. Last evaluated: 2025-05-07. Review status: criteria provided, single submitter. Criteria: Myriad Autosomal Dominant, Autosomal Recessive and X-Linked Classification Criteria (2023). Collection method: clinical testing. Allele origin: unknown.
Comment: NM_004646.3(NPHS1):c.408_411dupGCTG(L138Afs*34) is expected to be pathogenic in the context of nephrotic syndrome, NPHS1-related. This variant is predicted to lead to an abnormal or absent protein product due to the creation of a premature termination codon in NPHS1, a gene where loss-of-function variants are known to be pathogenic. Please note: this variant was assessed in the context of healthy population screening.

NM_004646.4(NPHS1):c.408_411dup (p.Leu138fs)

Gene: NPHS1 (NPHS1 adhesion molecule, nephrin; minus strand). Cytogenetic location: 19q13.12.
Variant type: Duplication.
Coding change: c.408_411dup on transcript NM_004646.4 (MANE Select); coding-DNA positions 408 to 411, 4 bases duplicated (GCTG; older notation c.408_411dupGCTG).
Protein change: p.Leu138fs; shifts the reading frame from leucine 138.
Molecular consequence: frameshift variant.
Genome position (GRCh38, 1-based): chr19:35,851,076-35,851,079, CAGC duplicated on the plus strand (GCTG on the coding strand, the reverse complement: NPHS1 is on the minus strand). VCF-style (leftmost placement, unchanged base first): chr19-35851075-G-GCAGC. GRCh37 (hg19) VCF-style: chr19-36341977-G-GCAGC.
Other names: short protein forms L138fs.
Identifiers: ClinVar variation 5014402 (VCV005014402.1).